The following is an entry in ClinVar:

ClinVar aggregate classification (germline): Pathogenic. Review status: criteria provided, multiple submitters, no conflicts (2 of 4 stars). 2 submissions from 2 submitters: Pathogenic (2). Last evaluated 2026-05-28.

Submissions (2):

GeneDx
Classification: Pathogenic. Last evaluated: 2026-05-28. Review status: criteria provided, single submitter. Criteria: GeneDx Variant Classification Process June 2021. Collection method: clinical testing. Allele origin: germline.
Comment: Nonsense variant predicted to result in protein truncation or nonsense mediated decay in a gene for which loss of function is a known mechanism of disease; Not observed at significant frequency in large population cohorts (gnomAD); Has not been previously published as pathogenic or benign to our knowledge

Labcorp Genetics (formerly Invitae), Labcorp
Classification: Pathogenic. Last evaluated: 2022-07-15. Review status: criteria provided, single submitter. Criteria: Invitae Variant Classification Sherloc (09022015). Collection method: clinical testing. Allele origin: germline.
Comment: This sequence change creates a premature translational stop signal (p.Gln755*) in the KIF11 gene. It is expected to result in an absent or disrupted protein product. Loss-of-function variants in KIF11 are known to be pathogenic (PMID: 22284827, 24281367). For these reasons, this variant has been classified as Pathogenic. This variant has not been reported in the literature in individuals affected with KIF11-related conditions. This variant is not present in population databases (gnomAD no frequency).

Literature cited by the submitters: PubMed 22284827 (cited by Labcorp Genetics (formerly Invitae), Labcorp); PubMed 24281367 (cited by Labcorp Genetics (formerly Invitae), Labcorp).

NM_004523.4(KIF11):c.2263C>T (p.Gln755Ter)

Gene: KIF11 (kinesin family member 11; plus strand). Cytogenetic location: 10q23.33.
Variant type: single nucleotide variant.
Coding change: c.2263C>T on transcript NM_004523.4 (MANE Select); coding-DNA position 2263, C replaced by T.
Protein change: p.Gln755Ter; replaces glutamine 755 with a stop codon.
Molecular consequence: nonsense.
Genome position (GRCh38, 1-based): chr10:92,639,896, C>T. VCF-style: chr10-92639896-C-T. GRCh37 (hg19) VCF-style: chr10-94399653-C-T.
Other names: c.2263C>T (NM_004523.3); short protein forms Q755*.
Identifiers: ClinVar variation 2017310 (VCV002017310.6), dbSNP rs774728793, ClinGen allele CA377593809.